The following is an entry in ClinVar:

ClinVar aggregate classification (germline): Pathogenic (1 of 4 stars; one submission).

Conditions:
Familial thoracic aortic aneurysm and aortic dissection (TAAD). Also called: Thoracic aortic aneurysms and dissections. Identifiers: Orphanet 91387, MedGen C4707243, MONDO:0019625.

Submission:

Labcorp Genetics (formerly Invitae), Labcorp
Classification: Pathogenic for Familial thoracic aortic aneurysm and aortic dissection. Last evaluated: 2018-08-01. Review status: criteria provided, single submitter. Criteria: Invitae Variant Classification Sherloc (09022015). Collection method: clinical testing. Allele origin: germline.
Comment: A gross deletion of the genomic region encompassing the full coding sequence of the SMAD3 gene has been identified. The boundaries of this event are unknown as the deletion extends beyond the assayed region for this gene and therefore may encompass additional genes. This variant has not been reported in the literature in individuals with SMAD3-related disease. Loss-of-function variants in SMAD3 are known to be pathogenic (PMID: 21778426, 24804794). For these reasons, this variant has been classified as Pathogenic.

NC_000015.10:g.(?_66703239)_(67190556_?)del

Genes: SMAD3 (SMAD family member 3; plus strand), SMAD3-AS1 (SMAD3 antisense RNA 1; minus strand), SMAD3-DT (SMAD3 divergent transcript; minus strand), SMAD6 (SMAD family member 6; plus strand), SMASR (SMAD3 associated long non-coding RNA; minus strand) and 30 more. Cytogenetic location: 15q22.31-22.33.
Variant type: Deletion.
Identifiers: ClinVar variation 657387 (VCV000657387.1).